The following is an entry in ClinVar:

ClinVar aggregate classification (germline): Uncertain significance. Review status: criteria provided, multiple submitters, no conflicts (2 of 4 stars). 3 submissions from 3 submitters: Uncertain significance (3). Last evaluated 2022-11-07.

Conditions:
Retinitis pigmentosa (RP). Identifiers: Orphanet 791, MedGen C0035334, MeSH D012174, MONDO:0019200, OMIM 268000. Inheritance: Autosomal dominant, autosomal recessive and X linked inheritance.

Allele frequency attached by ClinVar (database versions not stated): gnomAD 0.00002 and 0.00003; gnomAD exomes 0.00002 and 0.00007; TOPMed 0.00002; ExAC 0.00007; ESP Exome Variant Server 0.00008.
gnomAD v4.1: 36 of 1,613,894 alleles (0.0022%); highest among the groups gnomAD compares: Admixed American, 0.0017%; no homozygotes.

Submissions (3):

Blueprint Genetics
Classification: Uncertain significance. Last evaluated: 2022-11-07. Review status: criteria provided, single submitter. Criteria: ACMG Guidelines, 2015. Collection method: clinical testing. Allele origin: germline.

Labcorp Genetics (formerly Invitae), Labcorp
Classification: Uncertain significance. Last evaluated: 2021-11-15. Review status: criteria provided, single submitter. Criteria: Invitae Variant Classification Sherloc (09022015). Collection method: clinical testing. Allele origin: germline.
Comment: In summary, the available evidence is currently insufficient to determine the role of this variant in disease. Therefore, it has been classified as a Variant of Uncertain Significance. Algorithms developed to predict the effect of missense changes on protein structure and function (SIFT, PolyPhen-2, Align-GVGD) all suggest that this variant is likely to be disruptive. ClinVar contains an entry for this variant (Variation ID: 363280). This variant has not been reported in the literature in individuals affected with RP1-related conditions. This variant is present in population databases (rs377130833, gnomAD 0.2%). This sequence change replaces serine, which is neutral and polar, with proline, which is neutral and non-polar, at codon 307 of the RP1 protein (p.Ser307Pro).

Illumina Laboratory Services, Illumina
Classification: Uncertain significance for Retinitis pigmentosa. Last evaluated: 2018-01-12. Review status: criteria provided, single submitter. Criteria: ICSL Variant Classification Criteria 13 December 2019. Collection method: clinical testing. Allele origin: germline.

NM_006269.2(RP1):c.919T>C (p.Ser307Pro)

Gene: RP1 (RP1 axonemal microtubule associated; plus strand). Cytogenetic location: 8q12.1.
Variant type: single nucleotide variant.
Coding change: c.919T>C on transcript NM_006269.2 (MANE Select); coding-DNA position 919, T replaced by C.
Protein change: p.Ser307Pro; replaces serine 307 with proline.
Molecular consequence: missense variant.
Genome position (GRCh38, 1-based): chr8:54,624,801, T>C. VCF-style: chr8-54624801-T-C. GRCh37 (hg19) VCF-style: chr8-55537361-T-C.
Other names: short protein forms S307P.
Identifiers: ClinVar variation 363280 (VCV000363280.11), dbSNP rs377130833, ClinGen allele CA4751295.